The following is an entry in ClinVar:

ClinVar aggregate classification (germline): Likely benign. Review status: criteria provided, single submitter (1 of 4 stars). 2 submissions from 2 submitters: Likely benign (1). 1 of the submissions does not count toward it. Last evaluated 2023-10-16.

Conditions:
BBS2-related disorder. Also called: BBS2-related disorders; BBS2-related condition. Identifiers: MedGen CN239228.
Bardet-Biedl syndrome (BBS). Identifiers: Orphanet 110, MedGen C0752166, MONDO:0015229.

Allele frequency attached by ClinVar (database versions not stated): gnomAD 0.00001; gnomAD exomes 0.00001; TOPMed 0.00001.
gnomAD v4.1: 10 of 1,614,100 alleles (0.00062%); highest among the groups gnomAD compares: African/African-American, 0.0013%; no homozygotes.

Submissions (2):

Labcorp Genetics (formerly Invitae), Labcorp
Classification: Likely benign for Bardet-Biedl syndrome. Last evaluated: 2023-10-16. Review status: criteria provided, single submitter. Criteria: Invitae Variant Classification Sherloc (09022015). Collection method: clinical testing. Allele origin: germline.

PreventionGenetics, part of Exact Sciences
Classification: Likely benign for BBS2-related condition. Last evaluated: 2023-05-05. Review status: no assertion criteria provided. Collection method: clinical testing. Allele origin: germline. Not counted in ClinVar's aggregate classification.
Comment: This variant is classified as likely benign based on ACMG/AMP sequence variant interpretation guidelines (Richards et al. 2015 PMID: 25741868, with internal and published modifications).

NM_031885.5(BBS2):c.1080+7G>A

Gene: BBS2 (Bardet-Biedl syndrome 2; minus strand). Cytogenetic location: 16q13.
Variant type: single nucleotide variant.
Coding change: c.1080+7G>A on transcript NM_031885.5 (MANE Select); 7 bases into the intron after coding-DNA position 1080, G replaced by A.
Molecular consequence: intron variant.
Genome position (GRCh38, 1-based): chr16:56,502,310, C>T on the plus strand (G>A on the coding strand, the complement: BBS2 is on the minus strand). VCF-style: chr16-56502310-C-T. GRCh37 (hg19) VCF-style: chr16-56536222-C-T.
Other names: c.1080+7G>A (NM_001377456.1, NM_031885.3).
Identifiers: ClinVar variation 1142583 (VCV001142583.10), dbSNP rs1161249297, ClinGen allele CA721952675.